The following is an entry in ClinVar:

ClinVar aggregate classification (germline): Likely benign. Review status: criteria provided, multiple submitters, no conflicts (2 of 4 stars). 3 submissions from 3 submitters: Likely benign (3). Last evaluated 2025-12-16.

Conditions:
Long QT syndrome (LQTS). Identifiers: MedGen C0023976, MeSH D008133, MONDO:0002442. Disease mechanism: loss of function. Inheritance: Various modes of inheritance.
Cardiovascular phenotype. Identifiers: MedGen CN230736.
KCNE1-related disorder. Also called: KCNE1-related condition.

Allele frequency attached by ClinVar (database versions not stated): TOPMed 0.00001; gnomAD exomes 0.00002.

Submissions (4):

PreventionGenetics, part of Exact Sciences
Classification: Likely benign for KCNE1-related condition. Last evaluated: 2025-12-16. Review status: criteria provided, single submitter. Criteria: ACMG Guidelines, 2015. Collection method: clinical testing. Allele origin: germline.
Comment: This variant is classified as likely benign based on ACMG/AMP sequence variant interpretation guidelines (Richards et al. 2015 PMID: 25741868, with internal and published modifications).

Labcorp Genetics (formerly Invitae), Labcorp
Classification: Likely benign for Long QT syndrome. Last evaluated: 2025-11-08. Review status: criteria provided, single submitter. Criteria: Invitae Variant Classification Sherloc (09022015). Collection method: clinical testing. Allele origin: germline.

Ambry Genetics
Classification: Likely benign for Cardiovascular phenotype. Last evaluated: 2016-07-04. Review status: criteria provided, single submitter. Criteria: Ambry Variant Classification Scheme 2023. Collection method: clinical testing. Allele origin: germline.

Roden Lab, Vanderbilt University Medical Center
No classification provided (evidence only). Condition: Long QT syndrome 5. Review status: no classification provided. Collection method: in vitro. Allele origin: not applicable. Functional consequence: Effect on ion channel function. Not counted in ClinVar's aggregate classification.
ClinVar note: "not provided" was previously submitted as the classification for the variant. However, the classification appeared to be based only on an observation of functional data so it was converted to no classification on 2025-07-30.

NM_000219.6(KCNE1):c.9G>A (p.Leu3=)

Gene: KCNE1 (potassium voltage-gated channel subfamily E regulatory subunit 1; minus strand). Cytogenetic location: 21q22.12.
Variant type: single nucleotide variant.
Coding change: c.9G>A on transcript NM_000219.6 (MANE Select); coding-DNA position 9, G replaced by A.
Protein change: p.Leu3=; no amino-acid change (leucine 3 retained).
Molecular consequence: synonymous variant.
Genome position (GRCh38, 1-based): chr21:34,449,626, C>T on the plus strand (G>A on the coding strand, the complement: KCNE1 is on the minus strand). VCF-style: chr21-34449626-C-T. GRCh37 (hg19) VCF-style: chr21-35821924-C-T.
Other names: c.9G>A, p.Leu3= (NM_001127668.4, NM_001127669.4, NM_001127670.4 and 4 more transcripts); c.9G>A (NM_000219.5).
Identifiers: ClinVar variation 519286 (VCV000519286.12), dbSNP rs868666103, ClinGen allele CA320425572.